The following is an entry in ClinVar:

NM_006522.4(WNT6):c.70G>T (p.Gly24Ter)

Gene: WNT6 (Wnt family member 6; plus strand). Cytogenetic location: 2q35.
Variant type: single nucleotide variant.
Coding change: c.70G>T on transcript NM_006522.4 (MANE Select); coding-DNA position 70, G replaced by T.
Protein change: p.Gly24Ter; replaces glycine 24 with a stop codon.
Molecular consequence: nonsense.
Genome position (GRCh38, 1-based): chr2:218,860,107, G>T. VCF-style: chr2-218860107-G-T. GRCh37 (hg19) VCF-style: chr2-219724830-G-T.
Other names: short protein forms G24*.
Identifiers: ClinVar variation 4856872 (VCV004856872.2).

ClinVar aggregate classification (germline): Uncertain significance (1 of 4 stars; one submission).

Submission:

Dasa
Classification: Uncertain significance. Last evaluated: 2025-11-14. Review status: criteria provided, single submitter. Criteria: DASA Assertion Criteria. Collection method: clinical testing. Allele origin: germline.
Comment: NM_006522.4(WNT6):c.70G>T (p.Gly24*) is a nonsense variant in WNT6 predicted to introduce a premature termination codon. This variant is rare in population databases. The currently available literature and clinical evidence are not sufficient to establish a definitive association between this variant and the reported condition. Therefore, this variant is classified as a variant of uncertain significance.